The following is an entry in ClinVar:

ClinVar aggregate classification (germline): Conflicting classifications of pathogenicity. Review status: criteria provided, conflicting classifications (1 of 4 stars). 2 submissions from 2 submitters: Likely pathogenic (1); Uncertain significance (1). Last evaluated 2022-11-29.

Conditions:
Rubinstein-Taybi syndrome (RSTS). Identifiers: Orphanet 783, MedGen C0035934, MONDO:0019188.

Submissions (2):

Labcorp Genetics (formerly Invitae), Labcorp
Classification: Likely pathogenic for Rubinstein-Taybi syndrome. Last evaluated: 2022-11-29. Review status: criteria provided, single submitter. Criteria: Invitae Variant Classification Sherloc (09022015). Collection method: clinical testing. Allele origin: germline.
Comment: In summary, the currently available evidence indicates that the variant is pathogenic, but additional data are needed to prove that conclusively. Therefore, this variant has been classified as Likely Pathogenic. Advanced modeling of protein sequence and biophysical properties (such as structural, functional, and spatial information, amino acid conservation, physicochemical variation, residue mobility, and thermodynamic stability) performed at Invitae indicates that this missense variant is expected to disrupt CREBBP protein function. ClinVar contains an entry for this variant (Variation ID: 947345). This missense change has been observed in individual(s) with Rubinstein-Taybi syndrome (PMID: 25388907). In at least one individual the variant was observed to be de novo. This variant is not present in population databases (gnomAD no frequency). This sequence change replaces aspartic acid, which is acidic and polar, with tyrosine, which is neutral and polar, at codon 1406 of the CREBBP protein (p.Asp1406Tyr).

Revvity Omics, Revvity
Classification: Uncertain significance. Last evaluated: 2021-04-26. Review status: criteria provided, single submitter. Criteria: ACMG Guidelines, 2015. Collection method: clinical testing. Allele origin: germline.

Literature cited by the submitters: PubMed 25388907 (cited by Labcorp Genetics (formerly Invitae), Labcorp).

NM_004380.3(CREBBP):c.4216G>T (p.Asp1406Tyr)

Gene: CREBBP (CREB binding lysine acetyltransferase; minus strand). Cytogenetic location: 16p13.3.
Variant type: single nucleotide variant.
Coding change: c.4216G>T on transcript NM_004380.3 (MANE Select); coding-DNA position 4216, G replaced by T.
Protein change: p.Asp1406Tyr; replaces aspartic acid 1406 with tyrosine.
Molecular consequence: missense variant.
Genome position (GRCh38, 1-based): chr16:3,739,642, C>A on the plus strand (G>T on the coding strand, the complement: CREBBP is on the minus strand). VCF-style: chr16-3739642-C-A. GRCh37 (hg19) VCF-style: chr16-3789643-C-A.
Other names: c.4102G>T, p.Asp1368Tyr (NM_001079846.1); short protein forms D1368Y, D1406Y.
Identifiers: ClinVar variation 947345 (VCV000947345.12), dbSNP rs2052153254, ClinGen allele CA394564821.